The following is an entry in ClinVar:

ClinVar aggregate classification (germline): Uncertain significance (1 of 4 stars; one submission).

Conditions:
Cardiovascular phenotype. Identifiers: MedGen CN230736.

gnomAD v4.1: 1 of 1,549,222 alleles (0.000065%); highest among the groups gnomAD compares: Non-Finnish European, 0.000087%; no homozygotes.

Submission:

Ambry Genetics
Classification: Uncertain significance for Cardiovascular phenotype. Last evaluated: 2025-02-13. Review status: criteria provided, single submitter. Criteria: Ambry Variant Classification Scheme 2023. Collection method: clinical testing. Allele origin: germline.
Comment: The p.S2051C variant (also known as c.6152C>G), located in coding exon 2 of the ZNF469 gene, results from a C to G substitution at nucleotide position 6152. The serine at codon 2051 is replaced by cysteine, an amino acid with dissimilar properties. This amino acid position is conserved. In addition, this alteration is predicted to be tolerated by in silico analysis. Based on the available evidence, the clinical significance of this variant remains unclear.

NM_001367624.2(ZNF469):c.6236C>G (p.Ser2079Cys)

Gene: ZNF469 (zinc finger protein 469; plus strand). Cytogenetic location: 16q24.2.
Variant type: single nucleotide variant.
Coding change: c.6236C>G on transcript NM_001367624.2 (MANE Select); coding-DNA position 6236, C replaced by G.
Protein change: p.Ser2079Cys; replaces serine 2079 with cysteine.
Molecular consequence: missense variant.
Genome position (GRCh38, 1-based): chr16:88,433,706, C>G. VCF-style: chr16-88433706-C-G. GRCh37 (hg19) VCF-style: chr16-88500114-C-G.
Other names: NM_001127464.1:c.6152C>G; short protein forms S2079C.
Identifiers: ClinVar variation 3821148 (VCV003821148.1).